The following is an entry in ClinVar:

ClinVar aggregate classification (germline): Uncertain significance (1 of 4 stars; one submission).

Conditions:
Dyskeratosis congenita, autosomal recessive 6 (DKCB6). Identifiers: MedGen C4225356, MONDO:0014600, OMIM 616353.
Pulmonary fibrosis and/or bone marrow failure, Telomere-related, 4. Also called: PULMONARY FIBROSIS AND/OR BONE MARROW FAILURE SYNDROME, TELOMERE-RELATED, 4. Identifiers: Orphanet 2032, MedGen C4225347, MONDO:0014612, OMIM 616371.

Submission:

Labcorp Genetics (formerly Invitae), Labcorp
Classification: Uncertain significance for Dyskeratosis congenita, autosomal recessive 6; Pulmonary fibrosis and/or bone marrow failure, Telomere-related, 4. Last evaluated: 2022-03-18. Review status: criteria provided, single submitter. Criteria: Invitae Variant Classification Sherloc (09022015). Collection method: clinical testing. Allele origin: germline.
Comment: This variant, c.742_744del, results in the deletion of 1 amino acid(s) of the PARN protein (p.Glu248del), but otherwise preserves the integrity of the reading frame. This variant is present in population databases (no rsID available, gnomAD 0.004%). This variant has not been reported in the literature in individuals affected with PARN-related conditions. Experimental studies and prediction algorithms are not available or were not evaluated, and the functional significance of this variant is currently unknown. In summary, the available evidence is currently insufficient to determine the role of this variant in disease. Therefore, it has been classified as a Variant of Uncertain Significance.

NM_002582.4(PARN):c.736GAA[2] (p.Glu248del)

Gene: PARN (poly(A)-specific ribonuclease; minus strand). Cytogenetic location: 16p13.12.
Variant type: Microsatellite.
Coding change: c.736GAA[2] on transcript NM_002582.4 (MANE Select); two copies in a row of the 3-base unit GAA starting at c.736; the reference has three copies in a row; one copy, 3 bases deleted.
Protein change: p.Glu248del; deletes glutamic acid 248.
Molecular consequence: inframe deletion.
Genome position (GRCh38, 1-based): chr16:14,604,185-14,604,187, TTC deleted on the plus strand (GAA on the coding strand, the reverse complement: PARN is on the minus strand); deleting any 3 consecutive bases within chr16:14,604,185-14,604,193 gives the same sequence; the position shown is the placement nearest the transcript's 3' end. VCF-style (leftmost placement, unchanged base first): chr16-14604184-GTTC-G. GRCh37 (hg19) VCF-style: chr16-14698041-GTTC-G.
Other names: c.598GAA[2], p.Glu202del (NM_001242992.2); c.553GAA[2], p.Glu187del (NM_001134477.3); short protein forms E202del, E187del, E248del.
Identifiers: ClinVar variation 1910457 (VCV001910457.5), dbSNP rs1356133158, ClinGen allele CA621028087.